The following is an entry in ClinVar:

NM_138295.5(PKD1L1):c.6949C>T (p.Arg2317Trp)

Gene: PKD1L1 (polycystin 1 like 1, transient receptor potential channel interacting; minus strand). Cytogenetic location: 7p12.3.
Variant type: single nucleotide variant.
Coding change: c.6949C>T on transcript NM_138295.5 (MANE Select); coding-DNA position 6949, C replaced by T.
Protein change: p.Arg2317Trp; replaces arginine 2317 with tryptophan.
Molecular consequence: missense variant.
Genome position (GRCh38, 1-based): chr7:47,821,092, G>A on the plus strand (C>T on the coding strand, the complement: PKD1L1 is on the minus strand). VCF-style: chr7-47821092-G-A. GRCh37 (hg19) VCF-style: chr7-47860690-G-A.
Other names: short protein forms R2317W.
Identifiers: ClinVar variation 708346 (VCV000708346.39), dbSNP rs139293796, ClinGen allele CA4252269.
Genomic context (GRCh38, chr7:47,821,092, plus strand): 5'-AGTGCAATGGCCCCAGATCTGGAAGAGTTACCCAAACCTCCTACCTTGTAAATTCTTTCC[G>A]GATAGCTTGATTGAGGGAGTATTCATCTTGGGAAAATCTCCCATATATTACACACAAAAG-3'
Protein context (NP_612152.1, residues 2307-2327): QDEYSLNQAI[Arg2317Trp]KEFTRNARNC

ClinVar aggregate classification (germline): Conflicting classifications of pathogenicity. Review status: criteria provided, conflicting classifications (1 of 4 stars). 6 submissions from 6 submitters: Uncertain significance (1); Likely benign (3). 2 of the submissions do not count toward it. Last evaluated 2026-07-01.

Allele frequency attached by ClinVar (database versions not stated): ESP Exome Variant Server 0.00146; 1000 Genomes Project 30x 0.00156; TOPMed 0.00168; gnomAD 0.00171 and 0.00175; ExAC 0.00179; gnomAD exomes 0.00187 and 0.00204; 1000 Genomes Project 0.00200.
gnomAD v4.1: 3,207 of 1,592,036 alleles (0.2%); highest among the groups gnomAD compares: Middle Eastern, 1.1%; 7 homozygotes.

Submissions (6):

CeGaT Center for Human Genetics Tuebingen
Classification: Likely benign. Last evaluated: 2026-07-01. Review status: criteria provided, single submitter. Criteria: CeGaT Center For Human Genetics Tuebingen Variant Classification Criteria Version 2. Collection method: clinical testing. Allele origin: germline. Affected: yes. Observed: 11 variant alleles.
Comment: PKD1L1: BP4, BS2

Labcorp Genetics (formerly Invitae), Labcorp
Classification: Likely benign. Last evaluated: 2026-01-17. Review status: criteria provided, single submitter. Criteria: Invitae Variant Classification Sherloc (09022015). Collection method: clinical testing. Allele origin: germline.

Blueprint Genetics
Classification: Likely benign. Last evaluated: 2024-11-22. Review status: criteria provided, single submitter. Criteria: ACMG Guidelines, 2015. Collection method: clinical testing. Allele origin: germline.

GeneDx
Classification: Uncertain significance. Last evaluated: 2020-01-10. Review status: criteria provided, single submitter. Criteria: GeneDx Variant Classification Process June 2021. Collection method: clinical testing. Allele origin: germline. Affected: yes.
Comment: In silico analysis, which includes protein predictors and evolutionary conservation, supports a deleterious effect; This variant is associated with the following publications: (PMID: 30664273)

Joint Genome Diagnostic Labs from Nijmegen and Maastricht, Radboudumc and MUMC+
Classification: Benign. Review status: no assertion criteria provided. Collection method: clinical testing. Allele origin: germline. Affected: yes. Study: VKGL Data-share Consensus. Not counted in ClinVar's aggregate classification.

Laboratory of Diagnostic Genome Analysis, Leiden University Medical Center (LUMC)
Classification: Likely benign. Review status: no assertion criteria provided. Collection method: clinical testing. Allele origin: germline. Affected: yes. Study: VKGL Data-share Consensus. Not counted in ClinVar's aggregate classification.